The following is an entry in ClinVar:

ClinVar aggregate classification (germline): Uncertain significance (1 of 4 stars; one submission).

Allele frequency attached by ClinVar (database versions not stated): ExAC 0.00001; gnomAD exomes 0.00001.
gnomAD v4.1: 4 of 1,200,628 alleles (0.00033%); highest among the groups gnomAD compares: South Asian, 0.0071%; no homozygotes.

Submission:

Labcorp Genetics (formerly Invitae), Labcorp
Classification: Uncertain significance. Last evaluated: 2024-05-22. Review status: criteria provided, single submitter. Criteria: Invitae Variant Classification Sherloc (09022015). Collection method: clinical testing. Allele origin: germline.
Comment: This sequence change replaces histidine, which is basic and polar, with glutamine, which is neutral and polar, at codon 401 of the GPR143 protein (p.His401Gln). This variant is present in population databases (rs780522481, gnomAD 0.01%). This variant has not been reported in the literature in individuals affected with GPR143-related conditions. ClinVar contains an entry for this variant (Variation ID: 1438717). Algorithms developed to predict the effect of missense changes on protein structure and function output the following: SIFT: "Not Available"; PolyPhen-2: "Benign"; Align-GVGD: "Not Available". The glutamine amino acid residue is found in multiple mammalian species, which suggests that this missense change does not adversely affect protein function. In summary, the available evidence is currently insufficient to determine the role of this variant in disease. Therefore, it has been classified as a Variant of Uncertain Significance.

NM_000273.3(GPR143):c.1203T>G (p.His401Gln)

Gene: GPR143 (G protein-coupled receptor 143; minus strand). Cytogenetic location: Xp22.2.
Variant type: single nucleotide variant.
Coding change: c.1203T>G on transcript NM_000273.3 (MANE Select); coding-DNA position 1203, T replaced by G.
Protein change: p.His401Gln; replaces histidine 401 with glutamine.
Molecular consequence: missense variant.
Genome position (GRCh38, 1-based): chrX:9,725,758, A>C on the plus strand (T>G on the coding strand, the complement: GPR143 is on the minus strand). VCF-style: chrX-9725758-A-C. GRCh37 (hg19) VCF-style: chrX-9693798-A-C.
Other names: short protein forms H401Q.
Identifiers: ClinVar variation 1438717 (VCV001438717.6), dbSNP rs780522481, ClinGen allele CA10344862.